The following is an entry in ClinVar:

ClinVar aggregate classification (germline): Uncertain significance (1 of 4 stars; one submission).

Submission:

Mayo Clinic Laboratories, Mayo Clinic
Classification: Uncertain significance. Last evaluated: 2023-10-24. Review status: criteria provided, single submitter. Criteria: ACMG Guidelines, 2015. Collection method: clinical testing. Allele origin: germline. Observed: 1 variant allele.
Comment: BP4, PM2_moderate

NM_025137.4(SPG11):c.4123A>G (p.Ile1375Val)

Gene: SPG11 (SPG11 vesicle trafficking associated, spatacsin; minus strand). Cytogenetic location: 15q21.1.
Variant type: single nucleotide variant.
Coding change: c.4123A>G on transcript NM_025137.4 (MANE Select); coding-DNA position 4123, A replaced by G.
Protein change: p.Ile1375Val; replaces isoleucine 1375 with valine.
Molecular consequence: missense variant.
Genome position (GRCh38, 1-based): chr15:44,596,822, T>C on the plus strand (A>G on the coding strand, the complement: SPG11 is on the minus strand). VCF-style: chr15-44596822-T-C. GRCh37 (hg19) VCF-style: chr15-44889020-T-C.
Other names: p.Ile1375Val; c.4123A>G, p.Ile1375Val (NM_001160227.2, NM_001411132.1); short protein forms I1375V.
Identifiers: ClinVar variation 3380277 (VCV003380277.1).